The following is an entry in ClinVar:

NM_001142864.4(PIEZO1):c.6804G>A (p.Ala2268=)

Gene: PIEZO1 (piezo type mechanosensitive ion channel component 1 (Er blood group); minus strand). Cytogenetic location: 16q24.3.
Variant type: single nucleotide variant.
Coding change: c.6804G>A on transcript NM_001142864.4 (MANE Select); coding-DNA position 6804, G replaced by A.
Protein change: p.Ala2268=; no amino-acid change (alanine 2268 retained).
Molecular consequence: synonymous variant.
Genome position (GRCh38, 1-based): chr16:88,716,681, C>T on the plus strand (G>A on the coding strand, the complement: PIEZO1 is on the minus strand). VCF-style: chr16-88716681-C-T. GRCh37 (hg19) VCF-style: chr16-88783089-C-T.
Other names: p.Ala2268=.
Identifiers: ClinVar variation 740356 (VCV000740356.19), dbSNP rs371847339, ClinGen allele CA8231480.
Genomic context (GRCh38, chr16:88,716,681, plus strand): 5'-CATCTGGGCACGGCTGGGGGGACTGATGCGCCACAGCGCCCCGGAGCTGCCCTCAATCTG[C>T]GCCGTGACGATGTCCTCAGGGCTGTACTGGCTGATGAACTGCATGGCCAGCTGGGTACAA-3'
Protein context (NP_001136336.2, residues 2258-2278): SQYSPEDIVT[Ala2268=]QIEGSSGALW

ClinVar aggregate classification (germline): Benign/Likely benign. Review status: criteria provided, multiple submitters, no conflicts (2 of 4 stars). 6 submissions from 6 submitters: Benign (1); Likely benign (4). 1 of the submissions does not count toward it. Last evaluated 2025-10-02.

Conditions:
PIEZO1-related disorder. Also called: PIEZO1-related condition; PIEZO1-Related Disorders.

Allele frequency attached by ClinVar (database versions not stated): 1000 Genomes Project 30x 0.00016; 1000 Genomes Project 0.00020; ExAC 0.00021; gnomAD 0.00045; TOPMed 0.00062; ESP Exome Variant Server 0.00066.
gnomAD v4.1: 1,543 of 1,549,000 alleles (0.1%); highest among the groups gnomAD compares: Non-Finnish European, 0.12%; 3 homozygotes.

Submissions (6):

Labcorp Genetics (formerly Invitae), Labcorp
Classification: Likely benign. Last evaluated: 2025-10-02. Review status: criteria provided, single submitter. Criteria: Invitae Variant Classification Sherloc (09022015). Collection method: clinical testing. Allele origin: germline.

Mayo Clinic Laboratories, Mayo Clinic
Classification: Likely benign. Last evaluated: 2025-03-07. Review status: criteria provided, single submitter. Criteria: ACMG Guidelines, 2015. Collection method: clinical testing. Allele origin: germline. Observed: 1 variant allele.
Comment: BP4, BP7

Blueprint Genetics
Classification: Likely benign. Last evaluated: 2024-03-22. Review status: criteria provided, single submitter. Criteria: ACMG Guidelines, 2015. Collection method: clinical testing. Allele origin: germline.

ARUP Laboratories, Molecular Genetics and Genomics, ARUP Laboratories
Classification: Benign. Last evaluated: 2019-03-20. Review status: criteria provided, single submitter. Criteria: ARUP Molecular Germline Variant Investigation Process. Collection method: clinical testing. Allele origin: germline.

Breakthrough Genomics
Classification: Likely benign. Review status: criteria provided, single submitter. Criteria: ACMG Guidelines, 2015. Collection method: not provided. Allele origin: germline. Inheritance: Autosomal recessive inheritance. Affected: yes.

PreventionGenetics, part of Exact Sciences
Classification: Likely benign for PIEZO1-related condition. Last evaluated: 2022-07-14. Review status: no assertion criteria provided. Collection method: clinical testing. Allele origin: germline. Not counted in ClinVar's aggregate classification.
Comment: This variant is classified as likely benign based on ACMG/AMP sequence variant interpretation guidelines (Richards et al. 2015 PMID: 25741868, with internal and published modifications).